The following is an entry in ClinVar:

NM_000069.3(CACNA1S):c.4667A>G (p.Gln1556Arg)

Gene: CACNA1S (calcium voltage-gated channel subunit alpha1 S; minus strand). Cytogenetic location: 1q32.1.
Variant type: single nucleotide variant.
Coding change: c.4667A>G on transcript NM_000069.3 (MANE Select); coding-DNA position 4667, A replaced by G.
Protein change: p.Gln1556Arg; replaces glutamine 1556 with arginine.
Molecular consequence: missense variant.
Genome position (GRCh38, 1-based): chr1:201,047,116, T>C on the plus strand (A>G on the coding strand, the complement: CACNA1S is on the minus strand). VCF-style: chr1-201047116-T-C. GRCh37 (hg19) VCF-style: chr1-201016244-T-C.
Other names: short protein forms Q1556R.
Identifiers: ClinVar variation 3386294 (VCV003386294.2).

ClinVar aggregate classification (germline): Uncertain significance. Review status: criteria provided, multiple submitters, no conflicts (2 of 4 stars). 2 submissions from 2 submitters: Uncertain significance (2). Last evaluated 2024-04-16.

Conditions:
Malignant hyperthermia, susceptibility to, 5 (MHS5). Also called: CACNA1S-Related Malignant Hyperthermia Susceptibility. Identifiers: Orphanet 423, MedGen C1866077, MONDO:0011163, OMIM 601887.

Submissions (2):

All of Us Research Program, National Institutes of Health
Classification: Uncertain significance for Malignant hyperthermia, susceptibility to, 5. Last evaluated: 2024-04-16. Review status: criteria provided, single submitter. Criteria: ACMG Guidelines, 2015. Collection method: clinical testing. Allele origin: germline. Inheritance: Autosomal dominant inheritance. Observed: 1 variant allele, 1 heterozygote.
Comment: This missense variant replaces glutamine with arginine at codon 1556 of the CACNA1S protein. Computational prediction is inconclusive regarding the impact of this variant on protein structure and function (internally defined REVEL score threshold 0.5 < inconclusive < 0.7, PMID: 27666373). To our knowledge, functional studies have not been reported for this variant. This variant has not been reported in individuals affected with CACNA1S-related disorders in the literature. This variant has not been identified in the general population by the Genome Aggregation Database (gnomAD). The available evidence is insufficient to determine the role of this variant in disease conclusively. Therefore, this variant is classified as a Variant of Uncertain Significance.

This study involves interpretation of variants in research participants for the purpose of population health screening. Participant phenotype was not available at the time of variant classification. Additional details can be found in publication PMID: 35346344, PMCID: PMC8962531

Color Diagnostics, LLC DBA Color Health
Classification: Uncertain significance for Malignant hyperthermia, susceptibility to, 5. Last evaluated: 2024-04-03. Review status: criteria provided, single submitter. Criteria: ACMG Guidelines, 2015. Collection method: clinical testing. Allele origin: germline.
Comment: This missense variant replaces glutamine with arginine at codon 1556 of the CACNA1S protein. Computational prediction is inconclusive regarding the impact of this variant on protein structure and function. To our knowledge, functional studies have not been reported for this variant. This variant has not been reported in individuals affected with CACNA1S-related disorders in the literature. This variant has not been identified in the general population by the Genome Aggregation Database (gnomAD). The available evidence is insufficient to determine the role of this variant in disease conclusively. Therefore, this variant is classified as a Variant of Uncertain Significance.